The following is an entry in ClinVar:

ClinVar aggregate classification (germline): Uncertain significance (1 of 4 stars; one submission).

Conditions:
Mendelian susceptibility to mycobacterial diseases due to complete IL12RB1 deficiency. Also called: Immunodeficiency 30; IL12RB1 DEFICIENCY. Identifiers: Orphanet 319552, MedGen C4013949, MONDO:0013955, OMIM 614891.

Allele frequency attached by ClinVar (database versions not stated): gnomAD exomes 0.00001.
gnomAD v4.1: 2 of 1,572,452 alleles (0.00013%); highest among the groups gnomAD compares: Admixed American, 0.0037%; no homozygotes.

Submission:

Labcorp Genetics (formerly Invitae), Labcorp
Classification: Uncertain significance for Mendelian susceptibility to mycobacterial diseases due to complete IL12RB1 deficiency. Last evaluated: 2023-08-17. Review status: criteria provided, single submitter. Criteria: Invitae Variant Classification Sherloc (09022015). Collection method: clinical testing. Allele origin: germline.
Comment: In summary, the available evidence is currently insufficient to determine the role of this variant in disease. Therefore, it has been classified as a Variant of Uncertain Significance. Algorithms developed to predict the effect of missense changes on protein structure and function output the following: SIFT: "Not Available"; PolyPhen-2: "Benign"; Align-GVGD: "Not Available". The arginine amino acid residue is found in multiple mammalian species, which suggests that this missense change does not adversely affect protein function. This variant has not been reported in the literature in individuals affected with IL12RB1-related conditions. The frequency data for this variant in the population databases is considered unreliable, as metrics indicate poor data quality at this position in the gnomAD database. This sequence change replaces lysine, which is basic and polar, with arginine, which is basic and polar, at codon 659 of the IL12RB1 protein (p.Lys659Arg).

NM_005535.3(IL12RB1):c.1976A>G (p.Lys659Arg)

Gene: IL12RB1 (interleukin 12 receptor subunit beta 1; minus strand). Cytogenetic location: 19p13.11.
Variant type: single nucleotide variant.
Coding change: c.1976A>G on transcript NM_005535.3 (MANE Select); coding-DNA position 1976, A replaced by G.
Protein change: p.Lys659Arg; replaces lysine 659 with arginine.
Molecular consequence: missense variant. On other transcripts: intron variant (1).
Genome position (GRCh38, 1-based): chr19:18,059,901, T>C on the plus strand (A>G on the coding strand, the complement: IL12RB1 is on the minus strand). VCF-style: chr19-18059901-T-C. GRCh37 (hg19) VCF-style: chr19-18170711-T-C.
Other names: c.2096A>G, p.Lys699Arg (NM_001290024.2); c.1970+6A>G (NM_001290023.2); short protein forms K659R, K699R.
Identifiers: ClinVar variation 1521647 (VCV001521647.8), dbSNP rs1253598282, ClinGen allele CA404774754.